The following is an entry in ClinVar:

NM_004380.3(CREBBP):c.5957C>T (p.Thr1986Met)

Gene: CREBBP (CREB binding lysine acetyltransferase; minus strand). Cytogenetic location: 16p13.3.
Variant type: single nucleotide variant.
Coding change: c.5957C>T on transcript NM_004380.3 (MANE Select); coding-DNA position 5957, C replaced by T.
Protein change: p.Thr1986Met; replaces threonine 1986 with methionine.
Molecular consequence: missense variant.
Genome position (GRCh38, 1-based): chr16:3,729,090, G>A on the plus strand (C>T on the coding strand, the complement: CREBBP is on the minus strand). VCF-style: chr16-3729090-G-A. GRCh37 (hg19) VCF-style: chr16-3779091-G-A.
Other names: c.5843C>T, p.Thr1948Met (NM_001079846.1); c.5957C>T (NM_004380.2); short protein forms T1986M, T1948M.
Identifiers: ClinVar variation 2724959 (VCV002724959.4), dbSNP rs759638164, ClinGen allele CA7869214.

ClinVar aggregate classification (germline): Likely benign. Review status: criteria provided, single submitter (1 of 4 stars). 2 submissions from 2 submitters: Likely benign (1). 1 of the submissions does not count toward it. Last evaluated 2024-10-23.

Conditions:
CREBBP-related disorder. Also called: CREBBP-related disorders; CREBBP-related condition.
Rubinstein-Taybi syndrome (RSTS). Identifiers: Orphanet 783, MedGen C0035934, MONDO:0019188.

Allele frequency attached by ClinVar (database versions not stated): TOPMed 0.00001; gnomAD 0.00002; ExAC 0.00004.
gnomAD v4.1: 7 of 1,584,432 alleles (0.00044%); highest among the groups gnomAD compares: African/African-American, 0.004%; no homozygotes.

Submissions (2):

Labcorp Genetics (formerly Invitae), Labcorp
Classification: Likely benign for Rubinstein-Taybi syndrome. Last evaluated: 2024-10-23. Review status: criteria provided, single submitter. Criteria: Invitae Variant Classification Sherloc (09022015). Collection method: clinical testing. Allele origin: germline.

PreventionGenetics, part of Exact Sciences
Classification: Uncertain significance for CREBBP-related condition. Last evaluated: 2024-08-22. Review status: no assertion criteria provided. Collection method: clinical testing. Allele origin: germline. Not counted in ClinVar's aggregate classification.
Comment: The CREBBP c.5957C>T variant is predicted to result in the amino acid substitution p.Thr1986Met. To our knowledge, this variant has not been reported in the literature. This variant is reported in 0.0093% of alleles in individuals of African descent in gnomAD. At this time, the clinical significance of this variant is uncertain due to the absence of conclusive functional and genetic evidence.